The following is an entry in ClinVar:

NM_003482.4(KMT2D):c.11011C>T (p.Pro3671Ser)

Gene: KMT2D (lysine methyltransferase 2D; minus strand). Cytogenetic location: 12q13.12.
Variant type: single nucleotide variant.
Coding change: c.11011C>T on transcript NM_003482.4 (MANE Select); coding-DNA position 11011, C replaced by T.
Protein change: p.Pro3671Ser; replaces proline 3671 with serine.
Molecular consequence: missense variant.
Genome position (GRCh38, 1-based): chr12:49,033,694, G>A on the plus strand (C>T on the coding strand, the complement: KMT2D is on the minus strand). VCF-style: chr12-49033694-G-A. GRCh37 (hg19) VCF-style: chr12-49427477-G-A.
Other names: short protein forms P3671S.
Identifiers: ClinVar variation 4999763 (VCV004999763.1).

ClinVar aggregate classification (germline): Uncertain significance (1 of 4 stars; one submission).

Conditions:
KMT2D-related disorder. Also called: KMT2D-Related Disorders.

Submission:

PreventionGenetics, part of Exact Sciences
Classification: Uncertain significance for KMT2D-related condition. Last evaluated: 2026-06-12. Review status: criteria provided, single submitter. Criteria: ACMG Guidelines, 2015. Collection method: clinical testing. Allele origin: germline.
Comment: The KMT2D c.11011C>T variant is predicted to result in the amino acid substitution p.Pro3671Ser. To our knowledge, this variant has not been reported in the literature or in a large population database (gnomAD), indicating this variant is rare. At this time, the clinical significance of this variant is uncertain due to the absence of conclusive functional and genetic evidence.